The following is an entry in ClinVar:

NM_173630.4(RTTN):c.5626G>A (p.Ala1876Thr)

Gene: RTTN (rotatin; minus strand). Cytogenetic location: 18q22.2.
Variant type: single nucleotide variant.
Coding change: c.5626G>A on transcript NM_173630.4 (MANE Select); coding-DNA position 5626, G replaced by A.
Protein change: p.Ala1876Thr; replaces alanine 1876 with threonine.
Molecular consequence: missense variant.
Genome position (GRCh38, 1-based): chr18:70,030,897, C>T on the plus strand (G>A on the coding strand, the complement: RTTN is on the minus strand). VCF-style: chr18-70030897-C-T. GRCh37 (hg19) VCF-style: chr18-67698133-C-T.
Other names: c.2890G>A, p.Ala964Thr (NM_001318520.2); c.5626G>A (NM_173630.3); short protein forms A1876T, A964T.
Identifiers: ClinVar variation 1469147 (VCV001469147.8), dbSNP rs763809812, ClinGen allele CA8994892.
Genomic context (GRCh38, chr18:70,030,897, plus strand): 5'-ATAATGCCATCAAAACAGCTGATGTGTCATGTGGCTCACCTTTCAAAGCATGTTTCTGTG[C>T]TCTTCTACTGACAGCCAGCAGTGACATCAATGCATTTGCAGCTACTCTTTTCAGGATATC-3'
Protein context (NP_775901.3, residues 1866-1886): LMSLLAVSRR[Ala1876Thr]QKHALKANLI

ClinVar aggregate classification (germline): Uncertain significance. Review status: criteria provided, multiple submitters, no conflicts (2 of 4 stars). 2 submissions from 2 submitters: Uncertain significance (2). Last evaluated 2026-01-19.

Conditions:
Inborn genetic diseases. Identifiers: MedGen C0950123, MeSH D030342.

Allele frequency attached by ClinVar (database versions not stated): TOPMed below 0.00001; gnomAD exomes 0.00001 and 0.00003; ExAC 0.00002.
gnomAD v4.1: 8 of 1,613,272 alleles (0.0005%); highest among the groups gnomAD compares: Admixed American, 0.013%; no homozygotes.

Submissions (2):

Labcorp Genetics (formerly Invitae), Labcorp
Classification: Uncertain significance. Last evaluated: 2026-01-19. Review status: criteria provided, single submitter. Criteria: Invitae Variant Classification Sherloc (09022015). Collection method: clinical testing. Allele origin: germline.
Comment: This sequence change replaces alanine, which is neutral and non-polar, with threonine, which is neutral and polar, at codon 1876 of the RTTN protein (p.Ala1876Thr). This variant is present in population databases (rs763809812, gnomAD 0.02%). This variant has not been reported in the literature in individuals affected with RTTN-related conditions. ClinVar contains an entry for this variant (Variation ID: 1469147). Invitae Evidence Modeling of protein sequence and biophysical properties (such as structural, functional, and spatial information, amino acid conservation, physicochemical variation, residue mobility, and thermodynamic stability) has been performed for this missense variant. However, the output from this modeling did not meet the statistical confidence thresholds required to predict the impact of this variant on RTTN protein function. In summary, the available evidence is currently insufficient to determine the role of this variant in disease. Therefore, it has been classified as a Variant of Uncertain Significance.

Ambry Genetics
Classification: Uncertain significance for Inborn genetic diseases. Last evaluated: 2025-10-07. Review status: criteria provided, single submitter. Criteria: Ambry Variant Classification Scheme 2023. Collection method: clinical testing. Allele origin: germline.